The following is an entry in ClinVar:

NM_000346.4(SOX9):c.1096C>T (p.Pro366Ser)

Gene: SOX9 (SRY-box transcription factor 9; plus strand). Cytogenetic location: 17q24.3.
Variant type: single nucleotide variant.
Coding change: c.1096C>T on transcript NM_000346.4 (MANE Select); coding-DNA position 1096, C replaced by T.
Protein change: p.Pro366Ser; replaces proline 366 with serine.
Molecular consequence: missense variant.
Genome position (GRCh38, 1-based): chr17:72,123,953, C>T. VCF-style: chr17-72123953-C-T. GRCh37 (hg19) VCF-style: chr17-70120094-C-T.
Other names: short protein forms P366S.
Identifiers: ClinVar variation 1928756 (VCV001928756.6), dbSNP rs752349944, ClinGen allele CA8739095.
Genomic context (GRCh38, chr17:72,123,953, plus strand): 5'-CCGCAGCAGCCCCCACAGGCCCCGCCGGCCCCGCAGGCGCCCCCGCAGCCGCAGGCGGCG[C>T]CCCCACAGCAGCCGGCGGCACCCCCGCAGCAGCCACAGGCGCACACGCTGACCACGCTGA-3'
Protein context (NP_000337.1, residues 356-376): PQAPPQPQAA[Pro366Ser]PQQPAAPPQQ

ClinVar aggregate classification (germline): Uncertain significance. Review status: criteria provided, multiple submitters, no conflicts (2 of 4 stars). 2 submissions from 2 submitters: Uncertain significance (2). Last evaluated 2024-08-16.

Conditions:
Inborn genetic diseases. Identifiers: MedGen C0950123, MeSH D030342.
Camptomelic dysplasia (CMPD). Also called: Campomelic Dysplasia; CMPD1/SRA1. Identifiers: Orphanet 140, MedGen C1861922, MONDO:0007251, OMIM 114290.

Allele frequency attached by ClinVar (database versions not stated): gnomAD exomes below 0.00001; gnomAD 0.00001; TOPMed 0.00002; ExAC 0.00007.
gnomAD v4.1: 6 of 1,416,408 alleles (0.00042%); highest among the groups gnomAD compares: African/African-American, 0.0029%; no homozygotes.

Submissions (2):

Labcorp Genetics (formerly Invitae), Labcorp
Classification: Uncertain significance for Camptomelic dysplasia. Last evaluated: 2024-08-16. Review status: criteria provided, single submitter. Criteria: Invitae Variant Classification Sherloc (09022015). Collection method: clinical testing. Allele origin: germline.
Comment: This sequence change replaces proline, which is neutral and non-polar, with serine, which is neutral and polar, at codon 366 of the SOX9 protein (p.Pro366Ser). This variant is present in population databases (rs752349944, gnomAD 0.03%). This variant has not been reported in the literature in individuals affected with SOX9-related conditions. ClinVar contains an entry for this variant (Variation ID: 1928756). Invitae Evidence Modeling of protein sequence and biophysical properties (such as structural, functional, and spatial information, amino acid conservation, physicochemical variation, residue mobility, and thermodynamic stability) indicates that this missense variant is not expected to disrupt SOX9 protein function with a negative predictive value of 95%. In summary, the available evidence is currently insufficient to determine the role of this variant in disease. Therefore, it has been classified as a Variant of Uncertain Significance.

Ambry Genetics
Classification: Uncertain significance for Inborn genetic diseases. Last evaluated: 2021-06-02. Review status: criteria provided, single submitter. Criteria: Ambry Variant Classification Scheme 2023. Collection method: clinical testing. Allele origin: germline.